The following is an entry in ClinVar:

ClinVar aggregate classification (germline): Pathogenic (1 of 4 stars; one submission).

Conditions:
Tuberous sclerosis 2 (TSC2). Identifiers: Orphanet 805, MedGen C1860707, MONDO:0013199, OMIM 613254.

Submission:

Labcorp Genetics (formerly Invitae), Labcorp
Classification: Pathogenic for Tuberous sclerosis 2. Last evaluated: 2020-05-15. Review status: criteria provided, single submitter. Criteria: Invitae Variant Classification Sherloc (09022015). Collection method: clinical testing. Allele origin: unknown.
Comment: This variant disrupts the p.Gln1503 amino acid residue in TSC2. Other variant(s) that disrupt this residue have been determined to be pathogenic (PMID: 11403047, Invitae). This suggests that this residue is clinically significant, and that variants that disrupt this residue are likely to be disease-causing. This variant has not been reported in the literature in individuals with TSC2-related conditions. This variant results in the deletion of exon 32-35 and part of exon 31 (c.3791_4570-27del) of the TSC2 gene. It is expected to disrupt RNA splicing and likely results in an absent or disrupted protein product. Loss-of-function variants in TSC2 are known to be pathogenic (PMID: 10205261, 17304050). For these reasons, this variant has been classified as Pathogenic.

Literature cited by the submitters: PubMed 11403047; PubMed 10205261; PubMed 17304050.

NC_000016.9:g.(?_2131776)_(2135204_?)del

Gene: TSC2 (TSC complex subunit 2; plus strand). Cytogenetic location: 16p13.3.
Variant type: Deletion.
Identifiers: ClinVar variation 3243483 (VCV003243483.1).